The following is an entry in ClinVar:

NM_006231.4(POLE):c.468C>T (p.Ser156=)

Gene: POLE (DNA polymerase epsilon, catalytic subunit; minus strand). Cytogenetic location: 12q24.33.
Variant type: single nucleotide variant.
Coding change: c.468C>T on transcript NM_006231.4 (MANE Select); coding-DNA position 468, C replaced by T.
Protein change: p.Ser156=; no amino-acid change (serine 156 retained).
Molecular consequence: synonymous variant.
Genome position (GRCh38, 1-based): chr12:132,679,607, G>A on the plus strand (C>T on the coding strand, the complement: POLE is on the minus strand). VCF-style: chr12-132679607-G-A. GRCh37 (hg19) VCF-style: chr12-133256193-G-A.
Other names: c.468C>T (NM_006231.2).
Identifiers: ClinVar variation 2108492 (VCV002108492.5), dbSNP rs763594160, ClinGen allele CA6894307.

ClinVar aggregate classification (germline): Conflicting classifications of pathogenicity. Review status: criteria provided, conflicting classifications (1 of 4 stars). 2 submissions from 2 submitters: Uncertain significance (1); Likely benign (1). Last evaluated 2026-06-22.

Conditions:
Hereditary cancer-predisposing syndrome. Also called: Tumor predisposition; Hereditary Cancer Syndrome; Hereditary neoplastic syndrome; Neoplastic Syndromes, Hereditary. Identifiers: Orphanet 140162, MedGen C0027672, MeSH D009386, MONDO:0015356.

Allele frequency attached by ClinVar (database versions not stated): ExAC 0.00001.
gnomAD v4.1: 1 of 1,613,538 alleles (0.000062%); no homozygotes.

Submissions (2):

Ambry Genetics
Classification: Uncertain significance for Hereditary cancer-predisposing syndrome. Last evaluated: 2026-06-22. Review status: criteria provided, single submitter. Criteria: Ambry Variant Classification Scheme 2023. Collection method: clinical testing. Allele origin: germline.
Comment: The c.468C>T variant (also known as p.S156S), located in coding exon 6 of the POLE gene, results from a C to T substitution at nucleotide position 468. This nucleotide substitution does not change the serine at codon 156. This nucleotide position is not well conserved in available vertebrate species. In silico splice site analysis for this alteration is inconclusive. Based on the available evidence, the clinical significance of this variant remains unclear.

Labcorp Genetics (formerly Invitae), Labcorp
Classification: Likely benign. Last evaluated: 2022-03-10. Review status: criteria provided, single submitter. Criteria: Invitae Variant Classification Sherloc (09022015). Collection method: clinical testing. Allele origin: germline.